The following is an entry in ClinVar:

NM_014000.3(VCL):c.625A>G (p.Met209Val)

Gene: VCL (vinculin; plus strand). Cytogenetic location: 10q22.2.
Variant type: single nucleotide variant.
Coding change: c.625A>G on transcript NM_014000.3 (MANE Select); coding-DNA position 625, A replaced by G.
Protein change: p.Met209Val; replaces methionine 209 with valine.
Molecular consequence: missense variant.
Genome position (GRCh38, 1-based): chr10:74,074,745, A>G. VCF-style: chr10-74074745-A-G. GRCh37 (hg19) VCF-style: chr10-75834503-A-G.
Other names: c.625A>G, p.Met209Val (NM_003373.4); c.625A>G (NM_014000.2); short protein forms M209V.
Identifiers: ClinVar variation 1006190 (VCV001006190.8), dbSNP rs144683137, ClinGen allele CA5562830.

ClinVar aggregate classification (germline): Uncertain significance. Review status: criteria provided, multiple submitters, no conflicts (2 of 4 stars). 4 submissions from 4 submitters: Uncertain significance (4). Last evaluated 2026-07-20.

Conditions:
Dilated cardiomyopathy 1W (CMD1W). Identifiers: Orphanet 154, MedGen C1969639, MONDO:0012667, OMIM 611407.
Cardiovascular phenotype. Identifiers: MedGen CN230736.
Hypertrophic cardiomyopathy 15. Identifiers: MedGen C2750459, MONDO:0013200, OMIM 613255.

gnomAD v4.1: 5 of 1,613,008 alleles (0.00031%); highest among the groups gnomAD compares: Admixed American, 0.0033%; no homozygotes.

Submissions (4):

Ambry Genetics
Classification: Uncertain significance for Cardiovascular phenotype. Last evaluated: 2026-07-20. Review status: criteria provided, single submitter. Criteria: Ambry Variant Classification Scheme 2023. Collection method: clinical testing. Allele origin: germline.
Comment: The p.M209V variant (also known as c.625A>G), located in coding exon 6 of the VCL gene, results from an A to G substitution at nucleotide position 625. The methionine at codon 209 is replaced by valine, an amino acid with highly similar properties. This amino acid position is well conserved in available vertebrate species. In addition, this alteration is predicted to be tolerated by in silico analysis. Based on the available evidence, the clinical significance of this variant remains unclear.

Labcorp Genetics (formerly Invitae), Labcorp
Classification: Uncertain significance for Dilated cardiomyopathy 1W. Last evaluated: 2025-12-09. Review status: criteria provided, single submitter. Criteria: Invitae Variant Classification Sherloc (09022015). Collection method: clinical testing. Allele origin: germline.
Comment: This sequence change replaces methionine, which is neutral and non-polar, with valine, which is neutral and non-polar, at codon 209 of the VCL protein (p.Met209Val). This variant is present in population databases (rs144683137, gnomAD 0.003%). This variant has not been reported in the literature in individuals affected with VCL-related conditions. ClinVar contains an entry for this variant (Variation ID: 1006190). An algorithm developed to predict the effect of missense changes on protein structure and function (PolyPhen-2) suggests that this variant is likely to be tolerated. In summary, the available evidence is currently insufficient to determine the role of this variant in disease. Therefore, it has been classified as a Variant of Uncertain Significance.

Fulgent Genetics
Classification: Uncertain significance for Dilated cardiomyopathy 1W; Hypertrophic cardiomyopathy 15. Last evaluated: 2021-10-09. Review status: criteria provided, single submitter. Criteria: ACMG Guidelines, 2015. Collection method: clinical testing. Allele origin: unknown.

Breakthrough Genomics
Classification: Uncertain significance. Review status: criteria provided, single submitter. Criteria: ACMG Guidelines, 2015. Collection method: not provided. Allele origin: germline. Inheritance: Autosomal dominant inheritance. Affected: yes.